The following is an entry in ClinVar:

NM_004656.4(BAP1):c.787A>G (p.Ile263Val)

Gene: BAP1 (BRCA1 associated deubiquitinase 1; minus strand). Cytogenetic location: 3p21.1.
Variant type: single nucleotide variant.
Coding change: c.787A>G on transcript NM_004656.4 (MANE Select); coding-DNA position 787, A replaced by G.
Protein change: p.Ile263Val; replaces isoleucine 263 with valine.
Molecular consequence: missense variant.
Genome position (GRCh38, 1-based): chr3:52,405,909, T>C on the plus strand (A>G on the coding strand, the complement: BAP1 is on the minus strand). VCF-style: chr3-52405909-T-C. GRCh37 (hg19) VCF-style: chr3-52439925-T-C.
Other names: c.787A>G (NM_004656.2, NM_004656.3); short protein forms I263V.
Identifiers: ClinVar variation 1013480 (VCV001013480.45), dbSNP rs370841382, ClinGen allele CA2436988.

ClinVar aggregate classification (germline): Uncertain significance. Review status: criteria provided, multiple submitters, no conflicts (2 of 4 stars). 5 submissions from 5 submitters: Uncertain significance (5). Last evaluated 2025-12-27.

Conditions:
BAP1-related disorder. Also called: BAP1-related condition.
Hereditary cancer-predisposing syndrome. Also called: Tumor predisposition; Hereditary neoplastic syndrome; Neoplastic Syndromes, Hereditary; Hereditary Cancer Syndrome. Identifiers: Orphanet 140162, MedGen C0027672, MeSH D009386, MONDO:0015356.
BAP1-related tumor predisposition syndrome (TPDS1). Also called: BAP1 tumor predisposition syndrome; Tumor susceptibility linked to germline BAP1 mutations; COMMON Syndrome; TUMOR PREDISPOSITION SYNDROME 1. Identifiers: Orphanet 289539, MedGen C3280492, MONDO:0013692, OMIM 614327.

Allele frequency attached by ClinVar (database versions not stated): gnomAD exomes below 0.00001 and 0.00001; ExAC 0.00001; gnomAD 0.00001; TOPMed 0.00001; ESP Exome Variant Server 0.00008.
gnomAD v4.1: 4 of 1,613,914 alleles (0.00025%); highest among the groups gnomAD compares: African/African-American, 0.0013%; no homozygotes.

Submissions (5):

Labcorp Genetics (formerly Invitae), Labcorp
Classification: Uncertain significance for BAP1-related tumor predisposition syndrome. Last evaluated: 2025-12-27. Review status: criteria provided, single submitter. Criteria: Invitae Variant Classification Sherloc (09022015). Collection method: clinical testing. Allele origin: germline.
Comment: This sequence change replaces isoleucine, which is neutral and non-polar, with valine, which is neutral and non-polar, at codon 263 of the BAP1 protein (p.Ile263Val). This variant is present in population databases (rs370841382, gnomAD 0.0009%). This variant has not been reported in the literature in individuals affected with BAP1-related conditions. ClinVar contains an entry for this variant (Variation ID: 1013480). Invitae Evidence Modeling of protein sequence and biophysical properties (such as structural, functional, and spatial information, amino acid conservation, physicochemical variation, residue mobility, and thermodynamic stability) indicates that this missense variant is not expected to disrupt BAP1 protein function with a negative predictive value of 80%. In summary, the available evidence is currently insufficient to determine the role of this variant in disease. Therefore, it has been classified as a Variant of Uncertain Significance.

Ambry Genetics
Classification: Uncertain significance for Hereditary cancer-predisposing syndrome. Last evaluated: 2023-11-16. Review status: criteria provided, single submitter. Criteria: Ambry Variant Classification Scheme 2023. Collection method: clinical testing. Allele origin: germline.
Comment: The p.I263V variant (also known as c.787A>G), located in coding exon 10 of the BAP1 gene, results from an A to G substitution at nucleotide position 787. The isoleucine at codon 263 is replaced by valine, an amino acid with highly similar properties. This amino acid position is conserved. In addition, this alteration is predicted to be tolerated by in silico analysis. Since supporting evidence is limited at this time, the clinical significance of this alteration remains unclear.

Baylor Genetics
Classification: Uncertain significance for BAP1-related tumor predisposition syndrome. Last evaluated: 2023-10-27. Review status: criteria provided, single submitter. Criteria: ACMG Guidelines, 2015. Collection method: clinical testing. Allele origin: unknown.

PreventionGenetics, part of Exact Sciences
Classification: Uncertain significance for BAP1-related condition. Last evaluated: 2022-08-31. Review status: criteria provided, single submitter. Criteria: ACMG Guidelines, 2015. Collection method: clinical testing. Allele origin: germline.
Comment: The BAP1 c.787A>G variant is predicted to result in the amino acid substitution p.Ile263Val. To our knowledge, this variant has not been reported in the literature. This variant is reported in 0.00088% of alleles in individuals of European (Non-Finnish) descent in gnomAD. In ClinVar, this variant is interpreted as uncertain. At this time, the clinical significance of this variant is uncertain due to the absence of conclusive functional and genetic evidence.

CeGaT Center for Human Genetics Tuebingen
Classification: Uncertain significance. Last evaluated: 2020-08-01. Review status: criteria provided, single submitter. Criteria: CeGaT Center For Human Genetics Tuebingen Variant Classification Criteria Version 2. Collection method: clinical testing. Allele origin: germline. Affected: yes. Observed: 1 variant allele.